The following is an entry in ClinVar:

ClinVar aggregate classification (germline): Benign. Review status: criteria provided, multiple submitters, no conflicts (2 of 4 stars). 4 submissions from 4 submitters: Benign (4). Last evaluated 2026-02-04.

Conditions:
Isolated focal non-epidermolytic palmoplantar keratoderma. Also called: Palmoplantar keratoderma, nonepidermolytic, focal 2. Identifiers: Orphanet 448264, MedGen C4225339, MONDO:0014622, OMIM 616400.

Allele frequency attached by ClinVar (database versions not stated): TOPMed 0.30436; gnomAD exomes 0.29746; ExAC 0.30454; ESP Exome Variant Server 0.29686; 1000 Genomes Project 30x 0.32324; 1000 Genomes Project 0.32768.
gnomAD v4.1: 458,987 of 1,613,532 alleles (28%); highest among the groups gnomAD compares: South Asian, 36%; 66,530 homozygotes.

Submissions (4):

Labcorp Genetics (formerly Invitae), Labcorp
Classification: Benign. Last evaluated: 2026-02-04. Review status: criteria provided, single submitter. Criteria: Invitae Variant Classification Sherloc (09022015). Collection method: clinical testing. Allele origin: germline.

GeneDx
Classification: Benign. Last evaluated: 2018-11-12. Review status: criteria provided, single submitter. Criteria: GeneDx Variant Classification Process June 2021. Collection method: clinical testing. Allele origin: germline. Affected: yes.

Illumina Laboratory Services, Illumina
Classification: Benign for Isolated focal non-epidermolytic palmoplantar keratoderma. Last evaluated: 2018-01-12. Review status: criteria provided, single submitter. Criteria: ICSL Variant Classification Criteria 13 December 2019. Collection method: clinical testing. Allele origin: germline.
Comment: This variant was observed in the ICSL laboratory as part of a predisposition screen in an ostensibly healthy population. It had not been previously curated by ICSL or reported in the Human Gene Mutation Database (HGMD: prior to June 1st, 2018), and was therefore a candidate for classification through an automated scoring system. Utilizing variant allele frequency, disease prevalence and penetrance estimates, and inheritance mode, an automated score was calculated to assess if this variant is too frequent to cause the disease. Based on the score and internal cut-off values, a variant classified as benign is not then subjected to further curation. The score for this variant resulted in a classification of benign for this disease.

Breakthrough Genomics
Classification: Benign. Review status: criteria provided, single submitter. Criteria: ACMG Guidelines, 2015. Collection method: not provided. Allele origin: germline. Inheritance: Autosomal dominant inheritance. Affected: yes.

NM_145068.4(TRPV3):c.1878C>T (p.Ser626=)

Gene: TRPV3 (transient receptor potential cation channel subfamily V member 3; minus strand). Cytogenetic location: 17p13.2.
Variant type: single nucleotide variant.
Coding change: c.1878C>T on transcript NM_145068.4 (MANE Select); coding-DNA position 1878, C replaced by T.
Protein change: p.Ser626=; no amino-acid change (serine 626 retained).
Molecular consequence: synonymous variant.
Genome position (GRCh38, 1-based): chr17:3,518,783, G>A on the plus strand (C>T on the coding strand, the complement: TRPV3 is on the minus strand). VCF-style: chr17-3518783-G-A. GRCh37 (hg19) VCF-style: chr17-3422077-G-A.
Other names: c.1878C>T, p.Ser626= (NM_001258205.2).
Identifiers: ClinVar variation 322760 (VCV000322760.15), dbSNP rs12946883, ClinGen allele CA8289277.